The following is an entry in ClinVar:

ClinVar aggregate classification (germline): Likely benign (0 of 4 stars; one submission).

Conditions:
AIRE-related disorder. Also called: AIRE-related condition.

gnomAD v4.1: 5 of 1,580,424 alleles (0.00032%); highest among the groups gnomAD compares: South Asian, 0.0044%; no homozygotes.

Submission:

PreventionGenetics, part of Exact Sciences
Classification: Likely benign for AIRE-related condition. Last evaluated: 2019-05-23. Review status: no assertion criteria provided. Collection method: clinical testing. Allele origin: germline.
Comment: This variant is classified as likely benign based on ACMG/AMP sequence variant interpretation guidelines (Richards et al. 2015 PMID: 25741868, with internal and published modifications).

NM_000383.4(AIRE):c.652+7G>C

Gene: AIRE (autoimmune regulator; plus strand). Cytogenetic location: 21q22.3.
Variant type: single nucleotide variant.
Coding change: c.652+7G>C on transcript NM_000383.4 (MANE Select); 7 bases into the intron after coding-DNA position 652, G replaced by C.
Molecular consequence: intron variant.
Genome position (GRCh38, 1-based): chr21:44,288,465, G>C. VCF-style: chr21-44288465-G-C. GRCh37 (hg19) VCF-style: chr21-45708348-G-C.
Identifiers: ClinVar variation 3038784 (VCV003038784.2), dbSNP rs373277723, ClinGen allele CA10051652.